The following is an entry in ClinVar:

ClinVar aggregate classification (germline): Uncertain significance (1 of 4 stars; one submission).

Submission:

Labcorp Genetics (formerly Invitae), Labcorp
Classification: Uncertain significance. Last evaluated: 2023-08-17. Review status: criteria provided, single submitter. Criteria: Invitae Variant Classification Sherloc (09022015). Collection method: clinical testing. Allele origin: germline.
Comment: Experimental studies and prediction algorithms are not available or were not evaluated, and the functional significance of this variant is currently unknown. This variant has not been reported in the literature in individuals affected with ARMC9-related conditions. This variant is not present in population databases (gnomAD no frequency). This sequence change replaces proline, which is neutral and non-polar, with serine, which is neutral and polar, at codon 147 of the ARMC9 protein (p.Pro147Ser). In summary, the available evidence is currently insufficient to determine the role of this variant in disease. Therefore, it has been classified as a Variant of Uncertain Significance.

NM_001352754.2(ARMC9):c.439C>T (p.Pro147Ser)

Gene: ARMC9 (armadillo repeat containing 9; plus strand). Cytogenetic location: 2q37.1.
Variant type: single nucleotide variant.
Coding change: c.439C>T on transcript NM_001352754.2 (MANE Select); coding-DNA position 439, C replaced by T.
Protein change: p.Pro147Ser; replaces proline 147 with serine.
Molecular consequence: missense variant. On other transcripts: non-coding transcript variant (1).
Genome position (GRCh38, 1-based): chr2:231,216,728, C>T. VCF-style: chr2-231216728-C-T. GRCh37 (hg19) VCF-style: chr2-232081441-C-T.
Other names: c.439C>T, p.Pro147Ser (NM_001271466.4, NM_001291656.2, NM_001352755.2 and 5 more transcripts); short protein forms P147S.
Identifiers: ClinVar variation 2866246 (VCV002866246.3), dbSNP rs2469606831, ClinGen allele CA350947126.